The following is an entry in ClinVar:

NM_004725.4(BUB3):c.307G>A (p.Glu103Lys)

Gene: BUB3 (BUB3 mitotic checkpoint protein; plus strand). Cytogenetic location: 10q26.13.
Variant type: single nucleotide variant.
Coding change: c.307G>A on transcript NM_004725.4 (MANE Select); coding-DNA position 307, G replaced by A.
Protein change: p.Glu103Lys; replaces glutamic acid 103 with lysine.
Molecular consequence: missense variant.
Genome position (GRCh38, 1-based): chr10:123,157,770, G>A. VCF-style: chr10-123157770-G-A. GRCh37 (hg19) VCF-style: chr10-124917286-G-A.
Other names: c.307G>A, p.Glu103Lys (NM_001007793.3); short protein forms E103K.
Identifiers: ClinVar variation 3262290 (VCV003262290.1).
Genomic context (GRCh38, chr10:123,157,770, plus strand): 5'-CCTTTTTTTTTCTCTATAGAAAATCTTGTTGGGACCCATGATGCCCCTATCAGATGTGTT[G>A]AATACTGTCCAGAAGTGAATGTGATGGTCACTGGAAGTTGGGATCAGACAGTTAAACTGT-3'
Protein context (NP_004716.1, residues 93-113): GTHDAPIRCV[Glu103Lys]YCPEVNVMVT

ClinVar aggregate classification (germline): Uncertain significance (1 of 4 stars; one submission).

Submission:

Ambry Genetics
Classification: Uncertain significance. Last evaluated: 2024-06-24. Review status: criteria provided, single submitter. Criteria: Ambry Variant Classification Scheme 2023. Collection method: clinical testing. Allele origin: germline.
Comment: The p.E103K variant (also known as c.307G>A), located in coding exon 3 of the BUB3 gene, results from a G to A substitution at nucleotide position 307. The glutamic acid at codon 103 is replaced by lysine, an amino acid with similar properties. This amino acid position is conserved. In addition, this alteration is predicted to be deleterious by in silico analysis. Based on the available evidence, the clinical significance of this variant remains unclear.